The following is an entry in ClinVar:

NM_000238.4(KCNH2):c.1657C>T (p.Leu553Phe)

Gene: KCNH2 (potassium voltage-gated channel subfamily H member 2; minus strand). Cytogenetic location: 7q36.1.
Variant type: single nucleotide variant.
Coding change: c.1657C>T on transcript NM_000238.4 (MANE Select); coding-DNA position 1657, C replaced by T.
Protein change: p.Leu553Phe; replaces leucine 553 with phenylalanine.
Molecular consequence: missense variant. On other transcripts: non-coding transcript variant (2).
Genome position (GRCh38, 1-based): chr7:150,951,736, G>A on the plus strand (C>T on the coding strand, the complement: KCNH2 is on the minus strand). VCF-style: chr7-150951736-G-A. GRCh37 (hg19) VCF-style: chr7-150648824-G-A.
Other names: c.637C>T, p.Leu213Phe (NM_001204798.2, NM_172057.3); c.1369C>T, p.Leu457Phe (NM_001406753.1, NM_001406756.1); c.1480C>T, p.Leu494Phe (NM_001406755.1); c.1357C>T, p.Leu453Phe (NM_001406757.1); c.1657C>T, p.Leu553Phe (NM_172056.3); short protein forms L213F, L453F, L457F, L494F, L553F.
Identifiers: ClinVar variation 3072586 (VCV003072586.1), dbSNP rs2486039310, ClinGen allele CA369858911.
Genomic context (GRCh38, chr7:150,951,736, plus strand): 5'-TGCCGATGGCGTACCAGATGCAGGCTAGCCAGTGCGCGATGAGCGCAAAGGTGCACATGA[G>A]CAAGAACAGCACGGCCGCGCCGTACTCTGAGTAGCGATCCAGCTTCCGCGCCACGCGCAC-3'
Protein context (NP_000229.1, residues 543-563): SEYGAAVLFL[Leu553Phe]MCTFALIAHW

ClinVar aggregate classification (germline): Uncertain significance (1 of 4 stars; one submission).

Conditions:
Long QT syndrome (LQTS). Identifiers: MedGen C0023976, MeSH D008133, MONDO:0002442. Disease mechanism: loss of function. Inheritance: Various modes of inheritance.

Submission:

All of Us Research Program, National Institutes of Health
Classification: Uncertain significance for Long QT syndrome. Last evaluated: 2023-08-08. Review status: criteria provided, single submitter. Criteria: ACMG Guidelines, 2015. Collection method: clinical testing. Allele origin: germline. Inheritance: Autosomal dominant inheritance. Observed: 1 variant allele, 1 heterozygote.
Comment: This missense variant replaces leucine with phenylalanine at codon 553 of the KCNH2 protein. Computational prediction suggests that this variant may have deleterious impact on protein structure and function (internally defined REVEL score threshold >= 0.7, PMID: 27666373). To our knowledge, functional studies have not been reported for this variant. This variant has not been reported in individuals affected with KCNH2-related disorders in the literature. This variant has not been identified in the general population by the Genome Aggregation Database (gnomAD). The available evidence is insufficient to determine the role of this variant in disease conclusively. Therefore, this variant is classified as a Variant of Uncertain Significance.

This study involves interpretation of variants in research participants for the purpose of population health screening. Participant phenotype was not available at the time of variant classification. Additional details can be found in publication PMID: 35346344, PMCID: PMC8962531